The following is an entry in ClinVar:

NM_006009.4(TUBA1A):c.527A>T (p.Gln176Leu)

Gene: TUBA1A (tubulin alpha 1a; minus strand). Cytogenetic location: 12q13.12.
Variant type: single nucleotide variant.
Coding change: c.527A>T on transcript NM_006009.4 (MANE Select); coding-DNA position 527, A replaced by T.
Protein change: p.Gln176Leu; replaces glutamine 176 with leucine.
Molecular consequence: missense variant.
Genome position (GRCh38, 1-based): chr12:49,185,839, T>A on the plus strand (A>T on the coding strand, the complement: TUBA1A is on the minus strand). VCF-style: chr12-49185839-T-A. GRCh37 (hg19) VCF-style: chr12-49579622-T-A.
Other names: c.527A>T, p.Gln176Leu (NM_001270399.2); c.422A>T, p.Gln141Leu (NM_001270400.2); short protein forms Q141L, Q176L.
Identifiers: ClinVar variation 3024522 (VCV003024522.2), dbSNP rs2498860965, ClinGen allele CA384641956.
Genomic context (GRCh38, chr12:49,185,839, plus strand): 5'-TCCAGGGTGGTGTGGGTGGTGAGGATGGAGTTGTAGGGCTCAACTACAGCTGTGGAAACC[T>A]GGGGCGCCGGGTAAATAGAGAACTCCAGCTTGGACTTCTTGCCATAATCAACTGAGAGAC-3'
Protein context (NP_006000.2, residues 166-186): KLEFSIYPAP[Gln176Leu]VSTAVVEPYN

ClinVar aggregate classification (germline): Uncertain significance (1 of 4 stars; one submission).

Conditions:
Lissencephaly due to TUBA1A mutation (CDCBM16). Also called: Lissencephaly 3; CORTICAL DYSPLASIA, COMPLEX, WITH OTHER BRAIN MALFORMATIONS 16. Identifiers: Orphanet 171680, MedGen C4305153, MONDO:0012703, OMIM 611603.

Submission:

Institute of Human Genetics, University of Leipzig Medical Center
Classification: Uncertain significance for Lissencephaly due to TUBA1A mutation. Last evaluated: 2024-02-15. Review status: criteria provided, single submitter. Criteria: ACMG Guidelines, 2015. Collection method: clinical testing. Allele origin: unknown. Affected: yes.
Comment: Criteria applied: PM1,PM2_SUP,PM5_SUP,PP2